The following is an entry in ClinVar:

ClinVar aggregate classification (germline): Pathogenic (1 of 4 stars; one submission).

Submission:

Labcorp Genetics (formerly Invitae), Labcorp
Classification: Pathogenic. Last evaluated: 2022-05-22. Review status: criteria provided, single submitter. Criteria: Invitae Variant Classification Sherloc (09022015). Collection method: clinical testing. Allele origin: germline.
Comment: This sequence change creates a premature translational stop signal (p.Met251Asnfs*3) in the NDUFAF5 gene. It is expected to result in an absent or disrupted protein product. Loss-of-function variants in NDUFAF5 are known to be pathogenic (PMID: 26275793, 30473481, 32918965). For these reasons, this variant has been classified as Pathogenic. This variant has not been reported in the literature in individuals affected with NDUFAF5-related conditions. This variant is present in population databases (rs759940297, gnomAD 0.0009%).

Literature cited by the submitters: PubMed 26275793; PubMed 30473481; PubMed 32918965.

NM_024120.5(NDUFAF5):c.751dup (p.Met251fs)

Gene: NDUFAF5 (NADH:ubiquinone oxidoreductase complex assembly factor 5; plus strand). Cytogenetic location: 20p12.1.
Variant type: Duplication.
Coding change: c.751dup on transcript NM_024120.5 (MANE Select); coding-DNA position 751, one base duplicated (A; older notation c.751dupA).
Protein change: p.Met251fs; shifts the reading frame from methionine 251.
Molecular consequence: frameshift variant. On other transcripts: non-coding transcript variant (7).
Genome position (GRCh38, 1-based): chr20:13,808,875, A duplicated; the last of 2 consecutive A bases (chr20:13,808,874-13,808,875); duplicating either gives the same sequence. VCF-style (leftmost placement, unchanged base first): chr20-13808873-G-GA. GRCh37 (hg19) VCF-style: chr20-13789519-G-GA.
Other names: c.667dup, p.Met223fs (NM_001039375.3); c.280dup, p.Met94fs (NM_001352403.2); c.190dup, p.Met64fs (NM_001352406.2, NM_001352407.2); short protein forms M251fs, M223fs, M94fs, M64fs.
Identifiers: ClinVar variation 1966453 (VCV001966453.5), dbSNP rs759940297, ClinGen allele CA9767863.